The following is an entry in ClinVar:

ClinVar aggregate classification (germline): Pathogenic (1 of 4 stars; one submission).

Conditions:
Spastic paraplegia. Identifiers: MedGen C0037772, HP:0001258.

Submission:

Labcorp Genetics (formerly Invitae), Labcorp
Classification: Pathogenic for Spastic paraplegia. Last evaluated: 2021-05-10. Review status: criteria provided, single submitter. Criteria: Invitae Variant Classification Sherloc (09022015). Collection method: clinical testing. Allele origin: germline.
Comment: For these reasons, this variant has been classified as Pathogenic. This variant disrupts the C-terminus of the SACS protein. Other variant(s) that disrupt this region (p.Tyr4538*) have been determined to be pathogenic (Invitae). This suggests that variants that disrupt this region of the protein are likely to be causative of disease. This variant has been observed in individual(s) with spastic ataxia (PMID: 26288984). This variant is not present in population databases (ExAC no frequency). This sequence change creates a premature translational stop signal (p.Leu2102Trpfs*12) in the SACS gene. While this is not anticipated to result in nonsense mediated decay, it is expected to disrupt the last 2478 amino acid(s) of the SACS protein.

Literature cited by the submitters: PubMed 26288984.

NM_014363.6(SACS):c.6303del (p.Leu2102fs)

Gene: SACS (sacsin molecular chaperone; minus strand). Cytogenetic location: 13q12.12.
Variant type: Deletion.
Coding change: c.6303del on transcript NM_014363.6 (MANE Select); coding-DNA position 6303, one base deleted (C; older notation c.6303delC).
Protein change: p.Leu2102fs; shifts the reading frame from leucine 2102.
Molecular consequence: frameshift variant.
Genome position (GRCh38, 1-based): chr13:23,337,573, G deleted on the plus strand (C on the coding strand, the reverse complement: SACS is on the minus strand); the first of 2 consecutive G bases (chr13:23,337,573-23,337,574); deleting either gives the same sequence. VCF-style (leftmost placement, unchanged base first): chr13-23337572-AG-A. GRCh37 (hg19) VCF-style: chr13-23911711-AG-A.
Other names: c.5862del, p.Leu1955fs (NM_001278055.2); short protein forms L1955fs, L2102fs.
Identifiers: ClinVar variation 1453383 (VCV001453383.8), dbSNP rs2137610861, ClinGen allele CA2573149144.